The following is an entry in ClinVar:

NM_004523.4(KIF11):c.2569G>A (p.Ala857Thr)

Gene: KIF11 (kinesin family member 11; plus strand). Cytogenetic location: 10q23.33.
Variant type: single nucleotide variant.
Coding change: c.2569G>A on transcript NM_004523.4 (MANE Select); coding-DNA position 2569, G replaced by A.
Protein change: p.Ala857Thr; replaces alanine 857 with threonine.
Molecular consequence: missense variant.
Genome position (GRCh38, 1-based): chr10:92,648,233, G>A. VCF-style: chr10-92648233-G-A. GRCh37 (hg19) VCF-style: chr10-94407990-G-A.
Other names: short protein forms A857T.
Identifiers: ClinVar variation 4767582 (VCV004767582.1).
Genomic context (GRCh38, chr10:92,648,233, plus strand): 5'-TTAATTTTAGTAATAAATATTTATTTGCATCATTTACAGGTTGTAAGCCAATGTTGTGAG[G>A]CTTCAAGTTCAGACATCACTGAGAAATCAGATGGACGTAAGGCAGCTCATGAGAAACAGC-3'
Protein context (NP_004514.2, residues 847-867): LLEVVSQCCE[Ala857Thr]SSSDITEKSD

ClinVar aggregate classification (germline): Uncertain significance (1 of 4 stars; one submission).

Submission:

Labcorp Genetics (formerly Invitae), Labcorp
Classification: Uncertain significance. Last evaluated: 2025-05-06. Review status: criteria provided, single submitter. Criteria: Invitae Variant Classification Sherloc (09022015). Collection method: clinical testing. Allele origin: germline.
Comment: This sequence change replaces alanine, which is neutral and non-polar, with threonine, which is neutral and polar, at codon 857 of the KIF11 protein (p.Ala857Thr). This variant is not present in population databases (gnomAD no frequency). This variant has not been reported in the literature in individuals affected with KIF11-related conditions. Invitae Evidence Modeling of protein sequence and biophysical properties (such as structural, functional, and spatial information, amino acid conservation, physicochemical variation, residue mobility, and thermodynamic stability) indicates that this missense variant is not expected to disrupt KIF11 protein function with a negative predictive value of 95%. In summary, the available evidence is currently insufficient to determine the role of this variant in disease. Therefore, it has been classified as a Variant of Uncertain Significance.